The following is an entry in ClinVar:

ClinVar aggregate classification (germline): Uncertain significance (1 of 4 stars; one submission).

Conditions:
Neuromuscular disease caused by qualitative or quantitative defects of dysferlin. Also called: Qualitative or quantitative defects of dysferlin; Dysferlinopathy. Identifiers: Orphanet 207073, MedGen C2931687, MONDO:0016145.

Allele frequency attached by ClinVar (database versions not stated): gnomAD exomes below 0.00001.
gnomAD v4.1: 1 of 1,611,594 alleles (0.000062%); highest among the groups gnomAD compares: Middle Eastern, 0.017%; no homozygotes.

Submission:

Labcorp Genetics (formerly Invitae), Labcorp
Classification: Uncertain significance for Neuromuscular disease caused by qualitative or quantitative defects of dysferlin. Last evaluated: 2021-03-16. Review status: criteria provided, single submitter. Criteria: Invitae Variant Classification Sherloc (09022015). Collection method: clinical testing. Allele origin: germline.
Comment: This sequence change replaces glutamine with arginine at codon 1278 of the DYSF protein (p.Gln1278Arg). The glutamine residue is moderately conserved and there is a small physicochemical difference between glutamine and arginine. This variant is not present in population databases (ExAC no frequency). This variant has not been reported in the literature in individuals with DYSF-related conditions. Advanced modeling of protein sequence and biophysical properties (such as structural, functional, and spatial information, amino acid conservation, physicochemical variation, residue mobility, and thermodynamic stability) performed at Invitae indicates that this missense variant is not expected to disrupt DYSF protein function. In summary, the available evidence is currently insufficient to determine the role of this variant in disease. Therefore, it has been classified as a Variant of Uncertain Significance.

NM_001130987.2(DYSF):c.3887A>G (p.Gln1296Arg)

Gene: DYSF (dysferlin; plus strand). Cytogenetic location: 2p13.2.
Variant type: single nucleotide variant.
Coding change: c.3887A>G on transcript NM_001130987.2 (MANE Select); coding-DNA position 3887, A replaced by G.
Protein change: p.Gln1296Arg; replaces glutamine 1296 with arginine.
Molecular consequence: missense variant.
Genome position (GRCh38, 1-based): chr2:71,600,832, A>G. VCF-style: chr2-71600832-A-G. GRCh37 (hg19) VCF-style: chr2-71827962-A-G.
Other names: c.3836A>G, p.Gln1279Arg (NM_001130455.2, NM_001130983.2); c.3791A>G, p.Gln1264Arg (NM_001130976.2, NM_001130977.2); c.3833A>G, p.Gln1278Arg (NM_001130978.2, NM_003494.4); c.3926A>G, p.Gln1309Arg (NM_001130979.2); c.3884A>G, p.Gln1295Arg (NM_001130980.2, NM_001130981.2); c.3929A>G, p.Gln1310Arg (NM_001130982.2); c.3794A>G, p.Gln1265Arg (NM_001130984.2, NM_001130986.2); c.3887A>G, p.Gln1296Arg (NM_001130985.2); short protein forms Q1265R, Q1295R, Q1264R, Q1279R, Q1309R, Q1310R, Q1278R, Q1296R.
Identifiers: ClinVar variation 1925865 (VCV001925865.2), dbSNP rs2546062106, ClinGen allele CA347225671.